The following is an entry in ClinVar:

ClinVar aggregate classification (germline): Pathogenic. Review status: criteria provided, multiple submitters, no conflicts (2 of 4 stars). 9 submissions from 9 submitters: Pathogenic (9). Last evaluated 2025-03-17.

Conditions:
DMD-related disorder. Also called: DMD-related condition.
Becker muscular dystrophy, Cardiomyopathy, Duchenne muscular dystrophy, Dystrophin deficiency.
Neuromuscular disease caused by qualitative or quantitative defects of dystrophin. Also called: Qualitative or quantitative defects of dystrophin. Identifiers: Orphanet 207085, MedGen C5679787, MONDO:0016147.
Duchenne muscular dystrophy (DMD). Also called: Duchenne Muscular Dystrophy (DMD); MUSCULAR DYSTROPHY, PSEUDOHYPERTROPHIC PROGRESSIVE, DUCHENNE TYPE. Identifiers: Orphanet 98896, MedGen C0013264, MONDO:0010679, OMIM 310200.

Submissions (9):

PreventionGenetics, part of Exact Sciences
Classification: Pathogenic for DMD-related condition. Last evaluated: 2025-03-17. Review status: criteria provided, single submitter. Criteria: ACMG Guidelines, 2015. Collection method: clinical testing. Allele origin: germline.
Comment: The DMD c.8038C>T variant is predicted to result in premature protein termination (p.Arg2680*). This variant has been reported in several male patients with DMD-related disorders (Tuffery-Giraud et al. 2004. PubMed ID: 15351422; Tomar et al. 2019. PubMed ID: 31081998; Kumar et al. 2020. PubMed ID: 32559196; Supp. Data 2 Flanigan et al. 2009. PubMed ID: 19937601). This variant has not been reported in a large population database (gnomAD), indicating this variant is rare. Nonsense variants in DMD are expected to be pathogenic. This variant is interpreted as pathogenic.

Natera, Inc.
Classification: Pathogenic for Becker muscular dystrophy, Cardiomyopathy, Duchenne muscular dystrophy, Dystrophin deficiency. Last evaluated: 2025-03-10. Review status: criteria provided, single submitter. Criteria: Natera Variant Classification Schema (03/2026). Collection method: clinical testing. Allele origin: germline.
Comment: The c.8038C>T variant in DMD is a nonsense variant predicted to introduce a stop codon at amino acid 2680. This variant is expected to result in nonsense mediated decay, truncation, or a dysfunctional protein product. This variant is rare in the general population with a frequency below the threshold expected for the associated phenotype(s). This variant has been observed in affected individual(s) with monoallelic occurrence (heterozygous/hemizygous) (PMID: 31081998, 25612904, 21396098). Given the available evidence, this variant is classified as Pathogenic.

Revvity Omics, Revvity
Classification: Pathogenic. Last evaluated: 2024-08-29. Review status: criteria provided, single submitter. Criteria: ACMG Guidelines, 2015. Collection method: clinical testing. Allele origin: germline.

Blueprint Genetics
Classification: Pathogenic for DMD-related disorders. Last evaluated: 2023-06-07. Review status: criteria provided, single submitter. Criteria: ACMG Guidelines, 2015. Collection method: clinical testing. Allele origin: germline. Affected: yes. Observed: 2 variant alleles.

Labcorp Genetics (formerly Invitae), Labcorp
Classification: Pathogenic for Duchenne muscular dystrophy. Last evaluated: 2022-08-10. Review status: criteria provided, single submitter. Criteria: Invitae Variant Classification Sherloc (09022015). Collection method: clinical testing. Allele origin: germline.
Comment: For these reasons, this variant has been classified as Pathogenic. Algorithms developed to predict the effect of sequence changes on RNA splicing suggest that this variant may create or strengthen a splice site. ClinVar contains an entry for this variant (Variation ID: 217213). This premature translational stop signal has been observed in individuals with Duchenne muscular dystrophy (DMD) (PMID: 15351422, 16770791, 17041906, 18583217, 19835634, 19937601, 21396098, 25612904, 25636106). This variant is not present in population databases (gnomAD no frequency). This sequence change creates a premature translational stop signal (p.Arg2680*) in the DMD gene. It is expected to result in an absent or disrupted protein product. Loss-of-function variants in DMD are known to be pathogenic (PMID: 16770791, 25007885).

Women's Health and Genetics/Laboratory Corporation of America, LabCorp
Classification: Pathogenic for Dystrophinopathies. Last evaluated: 2019-06-17. Review status: criteria provided, single submitter. Criteria: LabCorp Variant Classification Summary - May 2015. Collection method: clinical testing. Allele origin: germline.
Comment: Variant summary: DMD c.8038C>T (p.Arg2680X) results in a premature termination codon, predicted to cause a truncation of the encoded protein or absence of the protein due to nonsense mediated decay, which are commonly known mechanisms for disease. Large deletions downstream of this position have been classified as pathogenic by our laboratory. The variant was absent in 174421 control chromosomes. c.8038C>T has been reported in the literature in multiple individuals affected with Duchenne muscular dystrophy (eg. Tuffery-Giraud_2004, Flanigan_2011, Magri_2011, Connolly_2015, Ma_2018, Xu_2018). To our knowledge, no experimental evidence demonstrating an impact on protein function has been reported. Two clinical diagnostic laboratories have submitted clinical-significance assessments for this variant to ClinVar after 2014 without evidence for independent evaluation. All laboratories classified the variant as pathogenic. Based on the evidence outlined above, the variant was classified as pathogenic.

Athena Diagnostics
Classification: Pathogenic. Last evaluated: 2018-09-20. Review status: criteria provided, single submitter. Criteria: Athena Diagnostics Criteria. Collection method: clinical testing. Allele origin: germline.
Comment: The variant creates a premature nonsense codon, and is therefore predicted to significantly disrupt the protein structure. Found in at least one symptomatic patient, and not found in general population data.

Eurofins Ntd Llc (ga)
Classification: Pathogenic. Last evaluated: 2016-09-01. Review status: criteria provided, single submitter. Criteria: EGL Classification Definitions 2015. Collection method: clinical testing. Allele origin: germline. Observed: 2 variant alleles, 2 heterozygotes.

Neuberg Centre For Genomic Medicine, NCGM
Classification: Pathogenic for Duchenne muscular dystrophy. Review status: criteria provided, single submitter. Criteria: ACMG Guidelines, 2015. Collection method: clinical testing. Allele origin: germline. Inheritance: X-linked inheritance. Affected: yes.
Comment: This sequence change creates a premature translational stop signal at codon 2680 (p.Arg2680*) of the DMD gene. It is expected to result in an absent or disrupted protein product. Loss-of-function variants in DMD are known to be pathogenic (Aartsma‐Rus et al). This variant has been reported in individuals affected with Duchenne muscular dystrophy (DMD) (Magri, Francesca, et al,Tuffery-Giraud, Sylvie, et al). This variant has been reported to the ClinVar database as Pathogenic. The nucleotide change in DMD is predicted as conserved by GERP++ and PhyloP across 100 vertebrates. The variant is novel (not in any individuals) in gnomAD Exomes and 1000 Genomes. For these reasons, this variant has been classified as pathogenic.

Literature cited by the submitters: PubMed 31081998 (cited by Natera, Inc.); PubMed 25612904 (cited by 3 submitters); PubMed 21396098 (cited by 4 submitters); PubMed 15351422 (cited by 3 submitters); PubMed 16770791 (cited by Labcorp Genetics (formerly Invitae), Labcorp); PubMed 17041906 (cited by Labcorp Genetics (formerly Invitae), Labcorp and Athena Diagnostics); PubMed 18583217 (cited by Labcorp Genetics (formerly Invitae), Labcorp and Athena Diagnostics); PubMed 19835634 (cited by Labcorp Genetics (formerly Invitae), Labcorp and Athena Diagnostics); PubMed 19937601 (cited by Labcorp Genetics (formerly Invitae), Labcorp and Athena Diagnostics); PubMed 25636106 (cited by Labcorp Genetics (formerly Invitae), Labcorp); PubMed 25007885 (cited by Labcorp Genetics (formerly Invitae), Labcorp); PubMed 29604111 (cited by Women's Health and Genetics/Laboratory Corporation of America, LabCorp); PubMed 25056178 (cited by Women's Health and Genetics/Laboratory Corporation of America, LabCorp); PubMed 21972111 (cited by Women's Health and Genetics/Laboratory Corporation of America, LabCorp); PubMed 29973226 (cited by Women's Health and Genetics/Laboratory Corporation of America, LabCorp).

NM_004006.3(DMD):c.8038C>T (p.Arg2680Ter)

Gene: DMD (dystrophin; minus strand). Cytogenetic location: Xp21.1.
Variant type: single nucleotide variant.
Coding change: c.8038C>T on transcript NM_004006.3 (MANE Select); coding-DNA position 8038, C replaced by T.
Protein change: p.Arg2680Ter; replaces arginine 2680 with a stop codon.
Molecular consequence: nonsense.
Genome position (GRCh38, 1-based): chrX:31,627,852, G>A on the plus strand (C>T on the coding strand, the complement: DMD is on the minus strand). VCF-style: chrX-31627852-G-A. GRCh37 (hg19) VCF-style: chrX-31645969-G-A.
Other names: c.8014C>T, p.Arg2672Ter (NM_000109.4); c.8026C>T, p.Arg2676Ter (NM_004009.3); c.7669C>T, p.Arg2557Ter (NM_004010.3); c.4015C>T, p.Arg1339Ter (NM_004011.4); c.4006C>T, p.Arg1336Ter (NM_004012.4); c.658C>T, p.Arg220Ter (NM_004013.3, NM_004020.4, NM_004021.3 and 2 more transcripts); short protein forms R2680*, R1336*, R2557*, R2676*, R220*, R2672*, R1339*.
Identifiers: ClinVar variation 217213 (VCV000217213.22), dbSNP rs863225011, ClinGen allele CA347572.